The following is an entry in ClinVar:

ClinVar aggregate classification (germline): Uncertain significance. Review status: criteria provided, multiple submitters, no conflicts (2 of 4 stars). 2 submissions from 2 submitters: Uncertain significance (2). Last evaluated 2025-04-21.

Conditions:
Hypertrophic cardiomyopathy. Also called: HYPERTROPHIC MYOCARDIOPATHY. Identifiers: Orphanet 217569, MedGen C0007194, MeSH D002312, MONDO:0005045, HP:0001639.

Submissions (2):

Labcorp Genetics (formerly Invitae), Labcorp
Classification: Uncertain significance for Hypertrophic cardiomyopathy. Last evaluated: 2025-04-21. Review status: criteria provided, single submitter. Criteria: Invitae Variant Classification Sherloc (09022015). Collection method: clinical testing. Allele origin: germline.
Comment: This sequence change replaces glutamic acid, which is acidic and polar, with glutamine, which is neutral and polar, at codon 1468 of the MYH7 protein (p.Glu1468Gln). This variant is not present in population databases (gnomAD no frequency). This missense change has been observed in individual(s) with hypertrophic cardiomyopathy (PMID: 27247418). ClinVar contains an entry for this variant (Variation ID: 228911). Invitae Evidence Modeling of protein sequence and biophysical properties (such as structural, functional, and spatial information, amino acid conservation, physicochemical variation, residue mobility, and thermodynamic stability) indicates that this missense variant is expected to disrupt MYH7 protein function with a positive predictive value of 95%. This variant disrupts the p.Glu1468 amino acid residue in MYH7. Other variant(s) that disrupt this residue have been determined to be pathogenic (PMID: 26656175, 27247418, 27737317, 30297972; internal data). This suggests that this residue is clinically significant, and that variants that disrupt this residue are likely to be disease-causing. In summary, the available evidence is currently insufficient to determine the role of this variant in disease. Therefore, it has been classified as a Variant of Uncertain Significance.

Laboratory for Molecular Medicine, Mass General Brigham Personalized Medicine
Classification: Uncertain significance. Last evaluated: 2015-04-09. Review status: criteria provided, single submitter. Criteria: LMM Criteria. Collection method: clinical testing. Allele origin: germline. Observed: 2 variant alleles.
Comment: Variant classified as Uncertain Significance - Favor Pathogenic. The p.Glu1468Gl n variant in MYH7 has not been previously reported in individuals with cardiomyo pathy or large population studies. Glutamic acid (Glu) at position 1468 is high ly conserved in evolution and the change to glutamine (Gln) was predicted to be pathogenic using a computational tool clinically validated by our laboratory. Th is tool's pathogenic prediction is estimated to be correct 94% of the time (Jord an 2011). In summary, while there is some suspicion for a pathogenic role, the c linical significance of the p.Glu1468Gln variant is uncertain.

Literature cited by the submitters: PubMed 27247418 (cited by Labcorp Genetics (formerly Invitae), Labcorp); PubMed 26656175 (cited by Labcorp Genetics (formerly Invitae), Labcorp); PubMed 27737317 (cited by Labcorp Genetics (formerly Invitae), Labcorp); PubMed 30297972 (cited by Labcorp Genetics (formerly Invitae), Labcorp).

NM_000257.4(MYH7):c.4402G>C (p.Glu1468Gln)

Genes: MHRT (myosin heavy chain associated RNA transcript; plus strand), MYH7 (myosin heavy chain 7; minus strand). Cytogenetic location: 14q11.2.
Variant type: single nucleotide variant.
Coding change: c.4402G>C on transcript NM_000257.4 (MANE Select); coding-DNA position 4402, G replaced by C.
Protein change: p.Glu1468Gln; replaces glutamic acid 1468 with glutamine.
Molecular consequence: missense variant. On other transcripts: non-coding transcript variant (1).
Genome position (GRCh38, 1-based): chr14:23,417,270, C>G on the plus strand (G>C on the coding strand, the complement: MYH7 is on the minus strand). VCF-style: chr14-23417270-C-G. GRCh37 (hg19) VCF-style: chr14-23886479-C-G.
Other names: short protein forms E1468Q.
Identifiers: ClinVar variation 228911 (VCV000228911.5), dbSNP rs876657884, ClinGen allele CA10576953.